The following is an entry in ClinVar:

ClinVar aggregate classification (germline): Uncertain significance. Review status: criteria provided, multiple submitters, no conflicts (2 of 4 stars). 3 submissions from 3 submitters: Uncertain significance (3). Last evaluated 2024-12-13.

Conditions:
Inborn genetic diseases. Identifiers: MedGen C0950123, MeSH D030342.
Nemaline myopathy 8 (NEM8). Also called: Nemaline myopathy 8, autosomal recessive. Identifiers: Orphanet 171430, MedGen C3809209, MONDO:0014138, OMIM 615348.

Allele frequency attached by ClinVar (database versions not stated): ExAC 0.00004; gnomAD 0.00008; gnomAD exomes 0.00005 and 0.00006; TOPMed 0.00007.
gnomAD v4.1: 95 of 1,613,058 alleles (0.0059%); highest among the groups gnomAD compares: Non-Finnish European, 0.0075%; no homozygotes.

Submissions (3):

GeneDx
Classification: Uncertain significance. Last evaluated: 2024-12-13. Review status: criteria provided, single submitter. Criteria: GeneDx Variant Classification Process June 2021. Collection method: clinical testing. Allele origin: germline. Affected: yes.
Comment: Not observed at significant frequency in large population cohorts (gnomAD); In silico analysis indicates that this missense variant does not alter protein structure/function; Has not been previously published as pathogenic or benign to our knowledge

Labcorp Genetics (formerly Invitae), Labcorp
Classification: Uncertain significance for Nemaline myopathy 8. Last evaluated: 2024-08-13. Review status: criteria provided, single submitter. Criteria: Invitae Variant Classification Sherloc (09022015). Collection method: clinical testing. Allele origin: germline.
Comment: This sequence change replaces serine, which is neutral and polar, with glycine, which is neutral and non-polar, at codon 472 of the KLHL40 protein (p.Ser472Gly). This variant is present in population databases (rs752099249, gnomAD 0.01%). This variant has not been reported in the literature in individuals affected with KLHL40-related conditions. ClinVar contains an entry for this variant (Variation ID: 640159). Invitae Evidence Modeling of protein sequence and biophysical properties (such as structural, functional, and spatial information, amino acid conservation, physicochemical variation, residue mobility, and thermodynamic stability) indicates that this missense variant is not expected to disrupt KLHL40 protein function with a negative predictive value of 80%. In summary, the available evidence is currently insufficient to determine the role of this variant in disease. Therefore, it has been classified as a Variant of Uncertain Significance.

Ambry Genetics
Classification: Uncertain significance for Inborn genetic diseases. Last evaluated: 2021-08-12. Review status: criteria provided, single submitter. Criteria: Ambry Variant Classification Scheme 2023. Collection method: clinical testing. Allele origin: germline.

NM_152393.4(KLHL40):c.1414A>G (p.Ser472Gly)

Gene: KLHL40 (kelch like family member 40; plus strand). Cytogenetic location: 3p22.1.
Variant type: single nucleotide variant.
Coding change: c.1414A>G on transcript NM_152393.4 (MANE Select); coding-DNA position 1414, A replaced by G.
Protein change: p.Ser472Gly; replaces serine 472 with glycine.
Molecular consequence: missense variant.
Genome position (GRCh38, 1-based): chr3:42,688,710, A>G. VCF-style: chr3-42688710-A-G. GRCh37 (hg19) VCF-style: chr3-42730202-A-G.
Other names: c.1414A>G (NM_152393.2); short protein forms S472G.
Identifiers: ClinVar variation 640159 (VCV000640159.5), dbSNP rs752099249, ClinGen allele CA2336949.